The following is an entry in ClinVar:

ClinVar aggregate classification (germline): Uncertain significance (1 of 4 stars; one submission).

Submission:

Labcorp Genetics (formerly Invitae), Labcorp
Classification: Uncertain significance. Last evaluated: 2026-01-14. Review status: criteria provided, single submitter. Criteria: Invitae Variant Classification Sherloc (09022015). Collection method: clinical testing. Allele origin: germline.
Comment: This sequence change replaces methionine, which is neutral and non-polar, with arginine, which is basic and polar, at codon 36 of the BGN protein (p.Met36Arg). This variant is not present in population databases (gnomAD no frequency). This variant has not been reported in the literature in individuals affected with BGN-related conditions. An algorithm developed to predict the effect of missense changes on protein structure and function (PolyPhen-2) suggests that this variant is likely to be tolerated. In summary, the available evidence is currently insufficient to determine the role of this variant in disease. Therefore, it has been classified as a Variant of Uncertain Significance.

NM_001711.6(BGN):c.107T>G (p.Met36Arg)

Gene: BGN (biglycan; plus strand). Cytogenetic location: Xq28.
Variant type: single nucleotide variant.
Coding change: c.107T>G on transcript NM_001711.6 (MANE Select); coding-DNA position 107, T replaced by G.
Protein change: p.Met36Arg; replaces methionine 36 with arginine.
Molecular consequence: missense variant.
Genome position (GRCh38, 1-based): chrX:153,504,738, T>G. VCF-style: chrX-153504738-T-G. GRCh37 (hg19) VCF-style: chrX-152770196-T-G.
Other names: short protein forms M36R.
Identifiers: ClinVar variation 4735419 (VCV004735419.1).